The following is an entry in ClinVar:

ClinVar aggregate classification (germline): Uncertain significance (1 of 4 stars; one submission).

Submission:

GeneDx
Classification: Uncertain significance. Last evaluated: 2020-02-21. Review status: criteria provided, single submitter. Criteria: GeneDx Variant Classification Process June 2021. Collection method: clinical testing. Allele origin: germline. Affected: yes.
Comment: Not observed in large population cohorts (Lek et al., 2016); In silico analysis supports that this missense variant does not alter protein structure/function; In silico analysis, which includes splice predictors and evolutionary conservation, suggests this variant may impact gene splicing. In the absence of RNA/functional studies, the actual effect of this sequence change is unknown.; Has not been previously published as pathogenic or benign to our knowledge

NM_016042.4(EXOSC3):c.94G>A (p.Glu32Lys)

Gene: EXOSC3 (exosome component 3; minus strand). Cytogenetic location: 9p13.2.
Variant type: single nucleotide variant.
Coding change: c.94G>A on transcript NM_016042.4 (MANE Select); coding-DNA position 94, G replaced by A.
Protein change: p.Glu32Lys; replaces glutamic acid 32 with lysine.
Molecular consequence: missense variant.
Genome position (GRCh38, 1-based): chr9:37,784,951, C>T on the plus strand (G>A on the coding strand, the complement: EXOSC3 is on the minus strand). VCF-style: chr9-37784951-C-T. GRCh37 (hg19) VCF-style: chr9-37784948-C-T.
Other names: c.94G>A, p.Glu32Lys (NM_001002269.2); short protein forms E32K.
Identifiers: ClinVar variation 1313706 (VCV001313706.2), dbSNP rs941644711, ClinGen allele CA373476068.